The following is an entry in ClinVar:

NM_006206.6(PDGFRA):c.2770G>A (p.Glu924Lys)

Gene: PDGFRA (platelet derived growth factor receptor alpha; plus strand). Cytogenetic location: 4q12.
Variant type: single nucleotide variant.
Coding change: c.2770G>A on transcript NM_006206.6 (MANE Select); coding-DNA position 2770, G replaced by A.
Protein change: p.Glu924Lys; replaces glutamic acid 924 with lysine.
Molecular consequence: missense variant.
Genome position (GRCh38, 1-based): chr4:54,288,894, G>A. VCF-style: chr4-54288894-G-A. GRCh37 (hg19) VCF-style: chr4-55155061-G-A.
Other names: c.2845G>A, p.Glu949Lys (NM_001347828.2); c.2770G>A, p.Glu924Lys (NM_001347829.2); c.2809G>A, p.Glu937Lys (NM_001347830.2); short protein forms E949K, E924K, E937K.
Identifiers: ClinVar variation 5026421 (VCV005026421.1).

ClinVar aggregate classification (germline): Uncertain significance (1 of 4 stars; one submission).

Conditions:
Hereditary cancer-predisposing syndrome. Also called: Neoplastic Syndromes, Hereditary; Tumor predisposition; Hereditary neoplastic syndrome; Hereditary Cancer Syndrome. Identifiers: Orphanet 140162, MedGen C0027672, MeSH D009386, MONDO:0015356.

Submission:

Ambry Genetics
Classification: Uncertain significance for Hereditary cancer-predisposing syndrome. Last evaluated: 2026-07-07. Review status: criteria provided, single submitter. Criteria: Ambry Variant Classification Scheme 2023. Collection method: clinical testing. Allele origin: germline.
Comment: The p.E924K variant (also known as c.2770G>A), located in coding exon 19 of the PDGFRA gene, results from a G to A substitution at nucleotide position 2770. The glutamic acid at codon 924 is replaced by lysine, an amino acid with similar properties. This amino acid position is conserved. In addition, the in silico prediction for this alteration is inconclusive. Based on the available evidence, the clinical significance of this variant remains unclear.